The following is an entry in ClinVar:

NM_014908.4(DOLK):c.1153G>A (p.Gly385Ser)

Gene: DOLK (dolichol kinase; minus strand). Cytogenetic location: 9q34.11.
Variant type: single nucleotide variant.
Coding change: c.1153G>A on transcript NM_014908.4 (MANE Select); coding-DNA position 1153, G replaced by A.
Protein change: p.Gly385Ser; replaces glycine 385 with serine.
Molecular consequence: missense variant.
Genome position (GRCh38, 1-based): chr9:128,946,151, C>T on the plus strand (G>A on the coding strand, the complement: DOLK is on the minus strand). VCF-style: chr9-128946151-C-T. GRCh37 (hg19) VCF-style: chr9-131708430-C-T.
Other names: short protein forms G385S.
Identifiers: ClinVar variation 4844619 (VCV004844619.1).

ClinVar aggregate classification (germline): Uncertain significance (1 of 4 stars; one submission).

Conditions:
Cardiovascular phenotype. Identifiers: MedGen CN230736.

gnomAD v4.1: 8 of 1,614,052 alleles (0.0005%); highest among the groups gnomAD compares: Non-Finnish European, 0.00068%; no homozygotes.

Submission:

Ambry Genetics
Classification: Uncertain significance for Cardiovascular phenotype. Last evaluated: 2026-02-19. Review status: criteria provided, single submitter. Criteria: Ambry Variant Classification Scheme 2023. Collection method: clinical testing. Allele origin: germline.
Comment: The p.G385S variant (also known as c.1153G>A), located in coding exon 1 of the DOLK gene, results from a G to A substitution at nucleotide position 1153. The glycine at codon 385 is replaced by serine, an amino acid with similar properties. This amino acid position is conserved. In addition, this alteration is predicted to be deleterious by in silico analysis. Based on the available evidence, the clinical significance of this variant remains unclear.